The following is an entry in ClinVar:

ClinVar aggregate classification (germline): Likely benign (1 of 4 stars; one submission).

Allele frequency attached by ClinVar (database versions not stated): gnomAD exomes 0.00006; ESP Exome Variant Server 0.00010; ExAC 0.00012; TOPMed 0.00017; gnomAD 0.00018.
gnomAD v4.1: 83 of 1,173,997 alleles (0.0071%); highest among the groups gnomAD compares: African/African-American, 0.053%; no homozygotes.

Submission:

CeGaT Center for Human Genetics Tuebingen
Classification: Likely benign. Last evaluated: 2023-03-01. Review status: criteria provided, single submitter. Criteria: CeGaT Center For Human Genetics Tuebingen Variant Classification Criteria Version 2. Collection method: clinical testing. Allele origin: germline. Affected: yes. Observed: 2 variant alleles.
Comment: CNGA2: BP4, BP7, BS2

NM_005140.3(CNGA2):c.129C>T (p.Asp43=)

Gene: CNGA2 (cyclic nucleotide gated channel subunit alpha 2; plus strand). Cytogenetic location: Xq28.
Variant type: single nucleotide variant.
Coding change: c.129C>T on transcript NM_005140.3 (MANE Select); coding-DNA position 129, C replaced by T.
Protein change: p.Asp43=; no amino-acid change (aspartic acid 43 retained).
Molecular consequence: synonymous variant.
Genome position (GRCh38, 1-based): chrX:151,738,805, C>T. VCF-style: chrX-151738805-C-T. GRCh37 (hg19) VCF-style: chrX-150907277-C-T.
Identifiers: ClinVar variation 2661650 (VCV002661650.24), dbSNP rs373478762, ClinGen allele CA10541690.